The following is an entry in ClinVar:

NM_198253.3(TERT):c.392T>G (p.Leu131Arg)

Gene: TERT (telomerase reverse transcriptase; minus strand). Cytogenetic location: 5p15.33.
Variant type: single nucleotide variant.
Coding change: c.392T>G on transcript NM_198253.3 (MANE Select); coding-DNA position 392, T replaced by G.
Protein change: p.Leu131Arg; replaces leucine 131 with arginine.
Molecular consequence: missense variant. On other transcripts: non-coding transcript variant (2).
Genome position (GRCh38, 1-based): chr5:1,294,494, A>C on the plus strand (T>G on the coding strand, the complement: TERT is on the minus strand). VCF-style: chr5-1294494-A-C. GRCh37 (hg19) VCF-style: chr5-1294609-A-C.
Other names: c.392T>G, p.Leu131Arg (NM_001193376.3); short protein forms L131R.
Identifiers: ClinVar variation 648548 (VCV000648548.9), dbSNP rs1579598607, ClinGen allele CA359058122.
Genomic context (GRCh38, chr5:1,294,494, plus strand): 5'-TGAACCAGCACGTCGTCGCCCACGCGGCGCAGCAGCAGCCCCCACGCCCCGCTCCCCCGC[A>C]GTGCGTCGGTCACCGTGTTGGGCAGGTAGCTGCGCACGCTGGTGGTGAAGGCCTCGGGGG-3'
Protein context (NP_937983.2, residues 121-141): SYLPNTVTDA[Leu131Arg]RGSGAWGLLL

ClinVar aggregate classification (germline): Uncertain significance (1 of 4 stars; one submission).

Conditions:
Idiopathic Pulmonary Fibrosis. Also called: Idiopathic fibrosing alveolitis, chronic form; idiopathic fibrosing alveolitis. Identifiers: Orphanet 2032, MedGen C1800706, MeSH D054990, MONDO:0800504.
Dyskeratosis congenita, autosomal dominant 2. Identifiers: MedGen C3151443, MONDO:0013521, OMIM 613989.

Submission:

Labcorp Genetics (formerly Invitae), Labcorp
Classification: Uncertain significance for Dyskeratosis congenita, autosomal dominant 2; Idiopathic Pulmonary Fibrosis. Last evaluated: 2018-09-22. Review status: criteria provided, single submitter. Criteria: Invitae Variant Classification Sherloc (09022015). Collection method: clinical testing. Allele origin: germline.
Comment: This sequence change replaces leucine with arginine at codon 131 of the TERT protein (p.Leu131Arg). The leucine residue is weakly conserved and there is a moderate physicochemical difference between leucine and arginine. This variant is not present in population databases (ExAC no frequency). This variant has not been reported in the literature in individuals with TERT-related disease. Algorithms developed to predict the effect of missense changes on protein structure and function are either unavailable or do not agree on the potential impact of this missense change (SIFT: "Deleterious"; PolyPhen-2: "Possibly Damaging"; Align-GVGD: "Class C0"). In summary, the available evidence is currently insufficient to determine the role of this variant in disease. Therefore, it has been classified as a Variant of Uncertain Significance.